The following is an entry in ClinVar:

NM_014639.4(SKIC3):c.949del (p.Val317fs)

Gene: SKIC3 (SKI3 subunit of superkiller complex; minus strand). Cytogenetic location: 5q15.
Variant type: Deletion.
Coding change: c.949del on transcript NM_014639.4 (MANE Select); coding-DNA position 949, one base deleted (G; older notation c.949delG).
Protein change: p.Val317fs; shifts the reading frame from valine 317.
Molecular consequence: frameshift variant.
Genome position (GRCh38, 1-based): chr5:95,529,046, C deleted on the plus strand (G on the coding strand, the reverse complement: SKIC3 is on the minus strand). VCF-style (leftmost placement, unchanged base first): chr5-95529045-AC-A. GRCh37 (hg19) VCF-style: chr5-94864749-AC-A.
Other names: short protein forms V317fs.
Identifiers: ClinVar variation 1411993 (VCV001411993.6), dbSNP rs2112346642, ClinGen allele CA2573140064.
Genomic context (GRCh38, chr5:95,529,045, plus strand): 5'-AAAGTATCAAAAATACCTTGACTGCATGAAAGAACAGCTTCTTTAGGTCTATGCATTTTG[AC>A]TTGGGCTTCTGCCAGATGATACCATCCACTTGTGCAGACAGGGCTTTCCTTTAACCCTAA-3'

ClinVar aggregate classification (germline): Pathogenic (1 of 4 stars; one submission).

Submission:

Labcorp Genetics (formerly Invitae), Labcorp
Classification: Pathogenic. Last evaluated: 2021-06-08. Review status: criteria provided, single submitter. Criteria: Invitae Variant Classification Sherloc (09022015). Collection method: clinical testing. Allele origin: germline.
Comment: This variant has not been reported in the literature in individuals with TTC37-related conditions. This variant is not present in population databases (ExAC no frequency). This sequence change creates a premature translational stop signal (p.Val317Serfs*17) in the TTC37 gene. It is expected to result in an absent or disrupted protein product. Loss-of-function variants in TTC37 are known to be pathogenic (PMID: 20176027, 21120949). For these reasons, this variant has been classified as Pathogenic.

Literature cited by the submitters: PubMed 20176027; PubMed 21120949.